The following is an entry in ClinVar:

NM_031220.4(PITPNM3):c.*3693A>G

Gene: PITPNM3 (PITPNM family member 3; minus strand). Cytogenetic location: 17p13.2.
Variant type: single nucleotide variant.
Coding change: c.*3693A>G on transcript NM_031220.4 (MANE Select); 3693 bases downstream of the stop codon, A replaced by G.
Molecular consequence: 3 prime UTR variant.
Genome position (GRCh38, 1-based): chr17:6,451,645, T>C on the plus strand (A>G on the coding strand, the complement: PITPNM3 is on the minus strand). VCF-style: chr17-6451645-T-C. GRCh37 (hg19) VCF-style: chr17-6354965-T-C.
Other names: c.*3693A>G (NM_001165966.2).
Identifiers: ClinVar variation 324657 (VCV000324657.6), dbSNP rs3169862, ClinGen allele CA10646506.
Genomic context (GRCh38, chr17:6,451,645, plus strand): 5'-GGGTGGGGGTCCCTGTGCACGAGTCGCCCTCCTCTGGCCTGCCCCCCCTCGGGTCACCTG[T>C]TTCTCCTTTGCCCCAAAGAGGGTGGAGTCAAATGCAGATTTTCCTCCCAACTGCCTGTTA-3'

ClinVar aggregate classification (germline): Benign. Review status: criteria provided, multiple submitters, no conflicts (2 of 4 stars). 2 submissions from 2 submitters: Benign (2). Last evaluated 2018-01-12.

Conditions:
Cone-rod dystrophy 5 (CORD5). Identifiers: Orphanet 1872, MedGen C1832976, MONDO:0010969, OMIM 600977.

Allele frequency attached by ClinVar (database versions not stated): 1000 Genomes Project 0.48203; 1000 Genomes Project 30x 0.48844; gnomAD 0.55123 and 0.55730; TOPMed 0.56353; gnomAD exomes 0.57018.

Submissions (2):

Illumina Laboratory Services, Illumina
Classification: Benign for Cone-rod dystrophy 5. Last evaluated: 2018-01-12. Review status: criteria provided, single submitter. Criteria: ICSL Variant Classification Criteria 13 December 2019. Collection method: clinical testing. Allele origin: germline.
Comment: This variant was observed in the ICSL laboratory as part of a predisposition screen in an ostensibly healthy population. It had not been previously curated by ICSL or reported in the Human Gene Mutation Database (HGMD: prior to June 1st, 2018), and was therefore a candidate for classification through an automated scoring system. Utilizing variant allele frequency, disease prevalence and penetrance estimates, and inheritance mode, an automated score was calculated to assess if this variant is too frequent to cause the disease. Based on the score and internal cut-off values, a variant classified as benign is not then subjected to further curation. The score for this variant resulted in a classification of benign for this disease.

Breakthrough Genomics
Classification: Benign. Review status: criteria provided, single submitter. Criteria: ACMG Guidelines, 2015. Collection method: not provided. Allele origin: germline. Inheritance: Autosomal dominant inheritance. Affected: yes.